The following is an entry in ClinVar:

NM_001903.5(CTNNA1):c.1547-20A>C

Gene: CTNNA1 (catenin alpha 1; plus strand). Cytogenetic location: 5q31.2.
Variant type: single nucleotide variant.
Coding change: c.1547-20A>C on transcript NM_001903.5 (MANE Select); 20 bases into the intron before coding-DNA position 1547, A replaced by C.
Molecular consequence: intron variant.
Genome position (GRCh38, 1-based): chr5:138,924,490, A>C. VCF-style: chr5-138924490-A-C. GRCh37 (hg19) VCF-style: chr5-138260179-A-C.
Other names: c.1547-20A>C (NM_001323985.2, NM_001323982.2, NM_001323984.2 and 2 more transcripts); c.1454-20A>C (NM_001323986.2); c.1178-20A>C (NM_001290310.3); c.1238-20A>C (NM_001290309.3); c.437-20A>C (NM_001323996.1, NM_001323993.1, NM_001324005.1 and 17 more transcripts); c.98-20A>C (NM_001324007.1, NM_001324009.1, NM_001324006.1 and 2 more transcripts); c.194-20A>C (NM_001324013.1, NM_001324012.1); c.344-20A>C (NM_001324011.1).
Identifiers: ClinVar variation 3773228 (VCV003773228.2).

ClinVar aggregate classification (germline): Likely benign. Review status: criteria provided, multiple submitters, no conflicts (2 of 4 stars). 2 submissions from 2 submitters: Likely benign (2). Last evaluated 2025-11-19.

Conditions:
Hereditary diffuse gastric adenocarcinoma (HDGC). Also called: DIFFUSE GASTRIC AND LOBULAR BREAST CANCER SYNDROME. Identifiers: Orphanet 26106, MedGen C1708349, MONDO:0007648, OMIM 137215.

gnomAD v4.1: 1 of 1,613,562 alleles (0.000062%); highest among the groups gnomAD compares: Non-Finnish European, 0.000085%; no homozygotes.

Submissions (2):

Labcorp Genetics (formerly Invitae), Labcorp
Classification: Likely benign. Last evaluated: 2025-11-19. Review status: criteria provided, single submitter. Criteria: Invitae Variant Classification Sherloc (09022015). Collection method: clinical testing. Allele origin: germline.

Myriad Genetics, Inc.
Classification: Likely benign for Hereditary diffuse gastric adenocarcinoma. Last evaluated: 2024-10-11. Review status: criteria provided, single submitter. Criteria: Myriad Autosomal Dominant, Autosomal Recessive and X-Linked Classification Criteria (2023). Collection method: clinical testing. Allele origin: unknown.
Comment: This variant is considered likely benign. This variant is intronic and is not expected to impact mRNA splicing.